The following is an entry in ClinVar:

ClinVar aggregate classification (germline): Uncertain significance (1 of 4 stars; one submission).

Submission:

Athena Diagnostics
Classification: Uncertain significance. Last evaluated: 2023-03-28. Review status: criteria provided, single submitter. Criteria: Athena Diagnostics Criteria. Collection method: clinical testing. Allele origin: unknown.
Comment: Available data are insufficient to determine the clinical significance of the variant at this time. This variant has not been reported in large, multi-ethnic general populations. Computational tools predict that this variant is not damaging.

NM_001540.5(HSPB1):c.529A>T (p.Asn177Tyr)

Gene: HSPB1 (heat shock protein family B (small) member 1; plus strand). Cytogenetic location: 7q11.23.
Variant type: single nucleotide variant.
Coding change: c.529A>T on transcript NM_001540.5 (MANE Select); coding-DNA position 529, A replaced by T.
Protein change: p.Asn177Tyr; replaces asparagine 177 with tyrosine.
Molecular consequence: missense variant.
Genome position (GRCh38, 1-based): chr7:76,304,084, A>T. VCF-style: chr7-76304084-A-T. GRCh37 (hg19) VCF-style: chr7-75933401-A-T.
Other names: short protein forms N177Y.
Identifiers: ClinVar variation 2684231 (VCV002684231.1), dbSNP rs2536151952, ClinGen allele CA367766218.